The following is an entry in ClinVar:

ClinVar aggregate classification (germline): Uncertain significance. Review status: criteria provided, multiple submitters, no conflicts (2 of 4 stars). 2 submissions from 2 submitters: Uncertain significance (2). Last evaluated 2025-02-08.

Conditions:
Inborn genetic diseases. Identifiers: MedGen C0950123, MeSH D030342.
Fanconi anemia (FA). Also called: Fanconi's anemia. Identifiers: Orphanet 84, MedGen C0015625, MeSH D005199, MONDO:0019391.

Submissions (2):

Ambry Genetics
Classification: Uncertain significance for Inborn genetic diseases. Last evaluated: 2025-02-08. Review status: criteria provided, single submitter. Criteria: Ambry Variant Classification Scheme 2023. Collection method: clinical testing. Allele origin: germline.
Comment: The p.V919A variant (also known as c.2756T>C), located in coding exon 28 of the FANCA gene, results from a T to C substitution at nucleotide position 2756. The valine at codon 919 is replaced by alanine, an amino acid with similar properties. This amino acid position is conserved. In addition, the in silico prediction for this alteration is inconclusive. Based on the available evidence, the clinical significance of this variant remains unclear.

Labcorp Genetics (formerly Invitae), Labcorp
Classification: Uncertain significance for Fanconi anemia. Last evaluated: 2021-08-26. Review status: criteria provided, single submitter. Criteria: Invitae Variant Classification Sherloc (09022015). Collection method: clinical testing. Allele origin: germline.
Comment: This sequence change replaces valine with alanine at codon 919 of the FANCA protein (p.Val919Ala). The valine residue is weakly conserved and there is a small physicochemical difference between valine and alanine. This variant is not present in population databases (ExAC no frequency). This variant has not been reported in the literature in individuals affected with FANCA-related conditions. Algorithms developed to predict the effect of missense changes on protein structure and function are either unavailable or do not agree on the potential impact of this missense change (SIFT: "Deleterious"; PolyPhen-2: "Benign"; Align-GVGD: "Class C0"). In summary, the available evidence is currently insufficient to determine the role of this variant in disease. Therefore, it has been classified as a Variant of Uncertain Significance.

NM_000135.4(FANCA):c.2756T>C (p.Val919Ala)

Gene: FANCA (FA complementation group A; minus strand). Cytogenetic location: 16q24.3.
Variant type: single nucleotide variant.
Coding change: c.2756T>C on transcript NM_000135.4 (MANE Select); coding-DNA position 2756, T replaced by C.
Protein change: p.Val919Ala; replaces valine 919 with alanine.
Molecular consequence: missense variant.
Genome position (GRCh38, 1-based): chr16:89,764,912, A>G on the plus strand (T>C on the coding strand, the complement: FANCA is on the minus strand). VCF-style: chr16-89764912-A-G. GRCh37 (hg19) VCF-style: chr16-89831320-A-G.
Other names: c.2756T>C, p.Val919Ala (NM_001286167.3); c.2756T>C (NM_000135.2); short protein forms V919A.
Identifiers: ClinVar variation 1055497 (VCV001055497.7), dbSNP rs202131468, ClinGen allele CA286555330.